The following is an entry in ClinVar:

NM_001005273.3(CHD3):c.322C>T (p.Arg108Ter)

Gene: CHD3 (chromodomain helicase DNA binding protein 3; plus strand). Cytogenetic location: 17p13.1.
Variant type: single nucleotide variant.
Coding change: c.322C>T on transcript NM_001005273.3 (MANE Select); coding-DNA position 322, C replaced by T.
Protein change: p.Arg108Ter; replaces arginine 108 with a stop codon.
Molecular consequence: nonsense.
Genome position (GRCh38, 1-based): chr17:7,890,679, C>T. VCF-style: chr17-7890679-C-T. GRCh37 (hg19) VCF-style: chr17-7793997-C-T.
Other names: c.499C>T, p.Arg167Ter (NM_001005271.3); c.322C>T, p.Arg108Ter (NM_005852.4); short protein forms R108*, R167*.
Identifiers: ClinVar variation 3390629 (VCV003390629.1).
Genomic context (GRCh38, chr17:7,890,679, plus strand): 5'-TCAGAGAGTGGGGGCAGTGAATATGGAACCGGACCGGGTCGGAAACGAAGAAGGAAGCAC[C>T]GAGAAAAAAAGGAGAAGAAGACAAAGCGGCGGAAAAAGGGGGAGGGAGATGGGGGGCAAA-3'

ClinVar aggregate classification (germline): Pathogenic (1 of 4 stars; one submission).

Submission:

GeneDx
Classification: Pathogenic. Last evaluated: 2024-06-10. Review status: criteria provided, single submitter. Criteria: GeneDx Variant Classification Process June 2021. Collection method: clinical testing. Allele origin: germline. Affected: yes.
Comment: Nonsense variant predicted to result in protein truncation or nonsense mediated decay in a gene for which loss of function is a known mechanism of disease; Not observed at significant frequency in large population cohorts (gnomAD); Has not been previously published as pathogenic or benign to our knowledge